The following is an entry in ClinVar:

NM_004006.3(DMD):c.83A>C (p.Gln28Pro)

Gene: DMD (dystrophin; minus strand). Cytogenetic location: Xp21.1.
Variant type: single nucleotide variant.
Coding change: c.83A>C on transcript NM_004006.3 (MANE Select); coding-DNA position 83, A replaced by C.
Protein change: p.Gln28Pro; replaces glutamine 28 with proline.
Molecular consequence: missense variant. On other transcripts: 5 prime UTR variant (1).
Genome position (GRCh38, 1-based): chrX:33,020,149, T>G on the plus strand (A>C on the coding strand, the complement: DMD is on the minus strand). VCF-style: chrX-33020149-T-G. GRCh37 (hg19) VCF-style: chrX-33038266-T-G.
Other names: c.59A>C, p.Gln20Pro (NM_000109.4); c.71A>C, p.Gln24Pro (NM_004009.3); c.-287A>C (NM_004010.3); short protein forms Q24P, Q20P, Q28P.
Identifiers: ClinVar variation 2082479 (VCV002082479.4), dbSNP rs2527804610, ClinGen allele CA412675236.

ClinVar aggregate classification (germline): Uncertain significance (1 of 4 stars; one submission).

Conditions:
Duchenne muscular dystrophy (DMD). Also called: MUSCULAR DYSTROPHY, PSEUDOHYPERTROPHIC PROGRESSIVE, DUCHENNE TYPE; Duchenne Muscular Dystrophy (DMD). Identifiers: Orphanet 98896, MedGen C0013264, MONDO:0010679, OMIM 310200.

Submission:

Labcorp Genetics (formerly Invitae), Labcorp
Classification: Uncertain significance for Duchenne muscular dystrophy. Last evaluated: 2023-02-13. Review status: criteria provided, single submitter. Criteria: Invitae Variant Classification Sherloc (09022015). Collection method: clinical testing. Allele origin: germline.
Comment: Advanced modeling of protein sequence and biophysical properties (such as structural, functional, and spatial information, amino acid conservation, physicochemical variation, residue mobility, and thermodynamic stability) performed at Invitae indicates that this missense variant is not expected to disrupt DMD protein function. This sequence change replaces glutamine, which is neutral and polar, with proline, which is neutral and non-polar, at codon 28 of the DMD protein (p.Gln28Pro). This variant is not present in population databases (gnomAD no frequency). This variant has not been reported in the literature in individuals affected with DMD-related conditions. In summary, the available evidence is currently insufficient to determine the role of this variant in disease. Therefore, it has been classified as a Variant of Uncertain Significance.